The following is an entry in ClinVar:

NM_000517.6(HBA2):c.300+34G>A

Genes: HBA2 (hemoglobin subunit alpha 2; plus strand), LOC106804612 (hemoglobin subunit alpha 2 recombination region; plus strand). Cytogenetic location: 16p13.3.
Variant type: single nucleotide variant.
Coding change: c.300+34G>A on transcript NM_000517.6 (MANE Select); 34 bases into the intron after coding-DNA position 300, G replaced by A.
Molecular consequence: intron variant.
Genome position (GRCh38, 1-based): chr16:173,363, G>A. VCF-style: chr16-173363-G-A. GRCh37 (hg19) VCF-style: chr16-223362-G-A.
Identifiers: ClinVar variation 993104 (VCV000993104.2), dbSNP rs373693318, ClinGen allele CA7770136.

ClinVar aggregate classification (germline): Uncertain significance (1 of 4 stars; one submission).

Allele frequency attached by ClinVar (database versions not stated): gnomAD 0.00001 and 0.00003; gnomAD exomes 0.00001 and 0.00005; TOPMed 0.00001; ExAC 0.00003.
gnomAD v4.1: 49 of 1,601,032 alleles (0.0031%); highest among the groups gnomAD compares: East Asian, 0.047%; 2 homozygotes.

Submission:

Quest Diagnostics Nichols Institute San Juan Capistrano
Classification: Uncertain significance. Last evaluated: 2022-09-12. Review status: criteria provided, single submitter. Criteria: Quest Diagnostics criteria. Collection method: clinical testing. Allele origin: unknown.
Comment: The HBA2 c.300+34G>A variant is reported in the published literature in individuals with thalassemia but unknown clinical significance ((PMID: 30720081 (2019)). Additionally, it has been seen with other variants in a gamma globin gene promoter that appeared to cause increased Hb F in one individual (PMID: 35701592 (2022)). Analysis of this variant using software algorithms for the prediction of the effect of nucleotide changes on splicing yielded predictions that this variant does not affect HBA2 mRNA splicing . Based on the available information, we are unable to determine the clinical significance of this variant.

Literature cited by the submitters: PubMed 30720081; PubMed 35701592.